The following is an entry in ClinVar:

NC_012920.1(MT-ND4):m.12135C>A

Gene: MT-ND4 (mitochondrially encoded NADH dehydrogenase 4; plus strand).
Variant type: single nucleotide variant.
Genome position: chrM-12135-C-A.
Identifiers: ClinVar variation 693418 (VCV000693418.1), dbSNP rs1556424062, ClinGen allele CA414812658.

ClinVar aggregate classification (germline): Benign (1 of 4 stars; one submission).

Conditions:
Leigh syndrome (NULS). Also called: Leigh's necrotizing encephalopathy; Leigh's disease; Leigh Syndrome (mtDNA deletion); Leigh Disease; Subacute necrotizing encephalopathy; Necrotizing encephalopathy infantile subacute of Leigh. Identifiers: Orphanet 506, MedGen C2931891, MONDO:0009723, OMIM 256000.

Submission:

Wong Mito Lab, Molecular and Human Genetics, Baylor College of Medicine
Classification: Benign for Leigh syndrome. Last evaluated: 2019-10-17. Review status: criteria provided, single submitter. Criteria: Modified ACMG Guidelines (Unpublished). Collection method: clinical testing. Allele origin: germline.
Comment: The NC_012920.1:m.12135C>A (YP_003024035.1:p.Ser459Tyr) variant in MTND4 gene is interpretated to be a Benign variant based on the modified ACMG guidelines (unpublished). This variant meets the following evidence codes: BS1, BS2